The following is an entry in ClinVar:

NM_001012339.3(DNAJC21):c.345del (p.Phe115fs)

Gene: DNAJC21 (DnaJ heat shock protein family (Hsp40) member C21; plus strand). Cytogenetic location: 5p13.2.
Variant type: Deletion.
Coding change: c.345del on transcript NM_001012339.3 (MANE Select); coding-DNA position 345, one base deleted (T; older notation c.345delT).
Protein change: p.Phe115fs; shifts the reading frame from phenylalanine 115.
Molecular consequence: frameshift variant.
Genome position (GRCh38, 1-based): chr5:34,936,173, T deleted; the last of 5 consecutive T bases (chr5:34,936,169-34,936,173); deleting any one gives the same sequence. VCF-style (leftmost placement, unchanged base first): chr5-34936168-GT-G. GRCh37 (hg19) VCF-style: chr5-34936273-GT-G.
Other names: c.345del, p.Phe115fs (NM_001348420.2, NM_194283.4); short protein forms F115fs.
Identifiers: ClinVar variation 2816354 (VCV002816354.3), dbSNP rs1764767232, ClinGen allele CA1074975868.

ClinVar aggregate classification (germline): Pathogenic (1 of 4 stars; one submission).

Submission:

Labcorp Genetics (formerly Invitae), Labcorp
Classification: Pathogenic. Last evaluated: 2022-11-24. Review status: criteria provided, single submitter. Criteria: Invitae Variant Classification Sherloc (09022015). Collection method: clinical testing. Allele origin: germline.
Comment: For these reasons, this variant has been classified as Pathogenic. This variant has not been reported in the literature in individuals affected with DNAJC21-related conditions. This variant is not present in population databases (gnomAD no frequency). This sequence change creates a premature translational stop signal (p.Phe115Leufs*3) in the DNAJC21 gene. It is expected to result in an absent or disrupted protein product. Loss-of-function variants in DNAJC21 are known to be pathogenic (PMID: 27346687, 28062395).

Literature cited by the submitters: PubMed 27346687; PubMed 28062395.